The following is an entry in ClinVar:

ClinVar aggregate classification (germline): Uncertain significance (1 of 4 stars; one submission).

gnomAD v4.1: 3 of 1,613,780 alleles (0.00019%); highest among the groups gnomAD compares: African/African-American, 0.004%; no homozygotes.

Submission:

Ambry Genetics
Classification: Uncertain significance. Last evaluated: 2025-07-28. Review status: criteria provided, single submitter. Criteria: Ambry Variant Classification Scheme 2023. Collection method: clinical testing. Allele origin: germline.
Comment: The p.P601L variant (also known as c.1802C>T), located in coding exon 11 of the MYOM1 gene, results from a C to T substitution at nucleotide position 1802. The proline at codon 601 is replaced by leucine, an amino acid with similar properties. This amino acid position is conserved. In addition, this alteration is predicted to be deleterious by in silico analysis. Based on the available evidence, the clinical significance of this variant remains unclear.

NM_003803.4(MYOM1):c.1802C>T (p.Pro601Leu)

Gene: MYOM1 (myomesin 1; minus strand). Cytogenetic location: 18p11.31.
Variant type: single nucleotide variant.
Coding change: c.1802C>T on transcript NM_003803.4 (MANE Select); coding-DNA position 1802, C replaced by T.
Protein change: p.Pro601Leu; replaces proline 601 with leucine.
Molecular consequence: missense variant.
Genome position (GRCh38, 1-based): chr18:3,151,735, G>A on the plus strand (C>T on the coding strand, the complement: MYOM1 is on the minus strand). VCF-style: chr18-3151735-G-A. GRCh37 (hg19) VCF-style: chr18-3151733-G-A.
Other names: c.1802C>T, p.Pro601Leu (NM_019856.2); short protein forms P601L.
Identifiers: ClinVar variation 4115977 (VCV004115977.1).